The following is an entry in ClinVar:

NM_000254.3(MTR):c.1771C>T (p.Arg591Ter)

Gene: MTR (5-methyltetrahydrofolate-homocysteine methyltransferase; plus strand). Cytogenetic location: 1q43.
Variant type: single nucleotide variant.
Coding change: c.1771C>T on transcript NM_000254.3 (MANE Select); coding-DNA position 1771, C replaced by T.
Protein change: p.Arg591Ter; replaces arginine 591 with a stop codon.
Molecular consequence: nonsense.
Genome position (GRCh38, 1-based): chr1:236,852,596, C>T. VCF-style: chr1-236852596-C-T. GRCh37 (hg19) VCF-style: chr1-237015896-C-T.
Other names: c.1771C>T, p.Arg591Ter (NM_001291939.1); c.550C>T, p.Arg184Ter (NM_001291940.2); short protein forms R184*, R591*.
Identifiers: ClinVar variation 1331535 (VCV001331535.4), dbSNP rs777459947, ClinGen allele CA1474164.

ClinVar aggregate classification (germline): Pathogenic (1 of 4 stars; one submission).

Allele frequency attached by ClinVar (database versions not stated): ExAC 0.00001; gnomAD 0.00001; TOPMed 0.00001.
gnomAD v4.1: 5 of 1,613,842 alleles (0.00031%); highest among the groups gnomAD compares: East Asian, 0.0045%; no homozygotes.

Submission:

Greenwood Genetic Center Diagnostic Laboratories, Greenwood Genetic Center
Classification: Pathogenic. Last evaluated: 2020-12-01. Review status: criteria provided, single submitter. Criteria: ACMG Guidelines, 2015. Collection method: clinical testing. Allele origin: germline. Affected: yes.
Comment: PVS1, PM2, PS4_Supporting